The following is an entry in ClinVar:

ClinVar aggregate classification (germline): Uncertain significance (1 of 4 stars; one submission).

Conditions:
Hereditary cancer-predisposing syndrome. Also called: Neoplastic Syndromes, Hereditary; Tumor predisposition; Hereditary Cancer Syndrome; Hereditary neoplastic syndrome. Identifiers: Orphanet 140162, MedGen C0027672, MeSH D009386, MONDO:0015356.

Submission:

Ambry Genetics
Classification: Uncertain significance for Hereditary cancer-predisposing syndrome. Last evaluated: 2025-11-22. Review status: criteria provided, single submitter. Criteria: Ambry Variant Classification Scheme 2023. Collection method: clinical testing. Allele origin: germline.
Comment: The p.V159A variant (also known as c.476T>C), located in coding exon 3 of the PDGFRA gene, results from a T to C substitution at nucleotide position 476. The valine at codon 159 is replaced by alanine, an amino acid with similar properties. This amino acid position is conserved. In addition, the in silico prediction for this alteration is inconclusive. Based on the available evidence, the clinical significance of this variant remains unclear.

NM_006206.6(PDGFRA):c.476T>C (p.Val159Ala)

Gene: PDGFRA (platelet derived growth factor receptor alpha; plus strand). Cytogenetic location: 4q12.
Variant type: single nucleotide variant.
Coding change: c.476T>C on transcript NM_006206.6 (MANE Select); coding-DNA position 476, T replaced by C.
Protein change: p.Val159Ala; replaces valine 159 with alanine.
Molecular consequence: missense variant.
Genome position (GRCh38, 1-based): chr4:54,263,775, T>C. VCF-style: chr4-54263775-T-C. GRCh37 (hg19) VCF-style: chr4-55129942-T-C.
Other names: c.476T>C, p.Val159Ala (NM_001347827.2, NM_001347829.2); c.551T>C, p.Val184Ala (NM_001347828.2); c.515T>C, p.Val172Ala (NM_001347830.2); short protein forms V172A, V159A, V184A.
Identifiers: ClinVar variation 4665461 (VCV004665461.1).